The following is an entry in ClinVar:

ClinVar aggregate classification (germline): Benign/Likely benign. Review status: criteria provided, single submitter (1 of 4 stars). 2 submissions from 1 submitter: Benign (1); Likely benign (1). Last evaluated 2018-01-12.

Conditions:
Inflammatory bowel disease 1 (IBD1). Also called: Inflammatory bowel disease 1, Crohn disease; INFLAMMATORY BOWEL DISEASE (CROHN DISEASE) 1. Identifiers: MedGen CN260071, MONDO:0009960, OMIM 266600.
Blau syndrome (BLAUS). Also called: ARTHROCUTANEOUVEAL GRANULOMATOSIS; GRANULOMATOSIS, FAMILIAL JUVENILE SYSTEMIC; GRANULOMATOSIS, FAMILIAL, BLAU TYPE; GRANULOMATOUS INFLAMMATORY ARTHRITIS, DERMATITIS, AND UVEITIS, FAMILIAL; JABS SYNDROME. Identifiers: Orphanet 90340, MedGen C5201146, MONDO:0008523, OMIM 186580.

Allele frequency attached by ClinVar (database versions not stated): gnomAD 0.00004 and 0.00005; TOPMed 0.00011; ExAC 0.00014; gnomAD exomes 0.00019; 1000 Genomes Project 30x 0.00047; 1000 Genomes Project 0.00060.
gnomAD v4.1: 72 of 1,553,488 alleles (0.0046%); highest among the groups gnomAD compares: East Asian, 0.17%; no homozygotes.

Submissions (2):

Illumina Laboratory Services, Illumina
Classification: Benign for Blau syndrome. Last evaluated: 2018-01-12. Review status: criteria provided, single submitter. Criteria: ICSL Variant Classification Criteria 13 December 2019. Collection method: clinical testing. Allele origin: germline.
Comment: This variant was observed in the ICSL laboratory as part of a predisposition screen in an ostensibly healthy population. It had not been previously curated by ICSL or reported in the Human Gene Mutation Database (HGMD: prior to June 1st, 2018), and was therefore a candidate for classification through an automated scoring system. Utilizing variant allele frequency, disease prevalence and penetrance estimates, and inheritance mode, an automated score was calculated to assess if this variant is too frequent to cause the disease. Based on the score and internal cut-off values, a variant classified as benign is not then subjected to further curation. The score for this variant resulted in a classification of benign for this disease.

Illumina Laboratory Services, Illumina
Classification: Likely benign for Inflammatory bowel disease 1. Last evaluated: 2018-01-12. Review status: criteria provided, single submitter. Criteria: ICSL Variant Classification Criteria 13 December 2019. Collection method: clinical testing. Allele origin: germline.
Comment: This variant was observed in the ICSL laboratory as part of a predisposition screen in an ostensibly healthy population. It had not been previously curated by ICSL or reported in the Human Gene Mutation Database (HGMD: prior to June 1st, 2018), and was therefore a candidate for classification through an automated scoring system. Utilizing variant allele frequency, disease prevalence and penetrance estimates, and inheritance mode, an automated score was calculated to assess if this variant is too frequent to cause the disease. Based on the score and internal cut-off values, a variant classified as likely benign is not then subjected to further curation. The score for this variant resulted in a classification of likely benign for this disease.

NM_001370466.1(NOD2):c.-8-2258C>T

Gene: NOD2 (nucleotide binding oligomerization domain containing 2; plus strand). Cytogenetic location: 16q12.1.
Variant type: single nucleotide variant.
Coding change: c.-8-2258C>T on transcript NM_001370466.1 (MANE Select); 2258 bases into the intron before 8 bases upstream of the start codon, C replaced by T.
Molecular consequence: intron variant. On other transcripts: 5 prime UTR variant (1).
Genome position (GRCh38, 1-based): chr16:50,697,230, C>T. VCF-style: chr16-50697230-C-T. GRCh37 (hg19) VCF-style: chr16-50731141-C-T.
Other names: c.-14C>T (LRG_177t1, NM_022162.3).
Identifiers: ClinVar variation 319422 (VCV000319422.7), dbSNP rs117611225, ClinGen allele CA8051157.